The following is an entry in ClinVar:

NM_001206744.2(TPO):c.1136C>G (p.Pro379Arg)

Gene: TPO (thyroid peroxidase; plus strand). Cytogenetic location: 2p25.3.
Variant type: single nucleotide variant.
Coding change: c.1136C>G on transcript NM_001206744.2 (MANE Select); coding-DNA position 1136, C replaced by G.
Protein change: p.Pro379Arg; replaces proline 379 with arginine.
Molecular consequence: missense variant. On other transcripts: intron variant (1).
Genome position (GRCh38, 1-based): chr2:1,477,402, C>G. VCF-style: chr2-1477402-C-G. GRCh37 (hg19) VCF-style: chr2-1481174-C-G.
Other names: c.1136C>G, p.Pro379Arg (NM_000547.6, NM_001206745.2, NM_175719.4 and 1 more transcripts); c.820-7194C>G (NM_175722.3); c.1136C>G (NM_000547.5); short protein forms P379R.
Identifiers: ClinVar variation 2701608 (VCV002701608.4), dbSNP rs575126367, ClinGen allele CA1511665.

ClinVar aggregate classification (germline): Benign. Review status: criteria provided, single submitter (1 of 4 stars). 2 submissions from 2 submitters: Benign (1). 1 of the submissions does not count toward it. Last evaluated 2026-01-25.

Conditions:
TPO-related disorder. Also called: TPO-related condition.

Allele frequency attached by ClinVar (database versions not stated): gnomAD exomes 0.00009; 1000 Genomes Project 30x 0.00031; 1000 Genomes Project 0.00040; TOPMed 0.00117; gnomAD 0.00109.
gnomAD v4.1: 285 of 1,524,830 alleles (0.019%); highest among the groups gnomAD compares: African/African-American, 0.39%; no homozygotes.

Submissions (2):

Labcorp Genetics (formerly Invitae), Labcorp
Classification: Benign. Last evaluated: 2026-01-25. Review status: criteria provided, single submitter. Criteria: Invitae Variant Classification Sherloc (09022015). Collection method: clinical testing. Allele origin: germline.

PreventionGenetics, part of Exact Sciences
Classification: Likely benign for TPO-related condition. Last evaluated: 2024-03-27. Review status: no assertion criteria provided. Collection method: clinical testing. Allele origin: germline. Not counted in ClinVar's aggregate classification.
Comment: This variant is classified as likely benign based on ACMG/AMP sequence variant interpretation guidelines (Richards et al. 2015 PMID: 25741868, with internal and published modifications).